The following is an entry in ClinVar:

NM_000038.6(APC):c.4568del (p.Arg1523fs)

Gene: APC (APC regulator of Wnt signaling pathway; plus strand). Cytogenetic location: 5q22.2.
Variant type: Deletion.
Coding change: c.4568del on transcript NM_000038.6 (MANE Select); coding-DNA position 4568, one base deleted (G; older notation c.4568delG).
Protein change: p.Arg1523fs; shifts the reading frame from arginine 1523.
Molecular consequence: frameshift variant.
Genome position (GRCh38, 1-based): chr5:112,840,162, G deleted. VCF-style (leftmost placement, unchanged base first): chr5-112840161-AG-A. GRCh37 (hg19) VCF-style: chr5-112175858-AG-A.
Other names: c.4568del, p.Arg1523fs (NM_001127510.3, NM_001354895.2); c.4514del, p.Arg1505fs (NM_001127511.3); c.4622del, p.Arg1541fs (NM_001354896.2); c.4598del, p.Arg1533fs (NM_001354897.2); c.4493del, p.Arg1498fs (NM_001354898.2); c.4484del, p.Arg1495fs (NM_001354899.2); c.4445del, p.Arg1482fs (NM_001354900.2); c.4391del, p.Arg1464fs (NM_001354901.2); and 16 more; short protein forms R1240fs, R1363fs, R1397fs, R1422fs, R1464fs, R1482fs, R1523fs, R1432fs.
Identifiers: ClinVar variation 1741522 (VCV001741522.2), dbSNP rs2533583362, ClinGen allele CA2580072536.
Genomic context (GRCh38, chr5:112,840,161, plus strand): 5'-TCATCCAGCCTGAGTGCTCTGAGCCTCGATGAGCCATTTATACAGAAAGATGTGGAATTA[AG>A]AATAATGCCTCCAGTTCAGGAAAATGACAATGGGAATGAAACAGAATCAGAGCAGCCTAA-3'

ClinVar aggregate classification (germline): Pathogenic (1 of 4 stars; one submission).

Conditions:
Hereditary cancer-predisposing syndrome. Also called: Hereditary Cancer Syndrome; Hereditary neoplastic syndrome; Neoplastic Syndromes, Hereditary; Tumor predisposition. Identifiers: Orphanet 140162, MedGen C0027672, MeSH D009386, MONDO:0015356.

Submission:

Ambry Genetics
Classification: Pathogenic for Hereditary cancer-predisposing syndrome. Last evaluated: 2016-06-30. Review status: criteria provided, single submitter. Criteria: Ambry Variant Classification Scheme 2023. Collection method: clinical testing. Allele origin: germline.
Comment: The c.4568delG pathogenic mutation, located in coding exon 15 of the APC gene, results from a deletion of one nucleotide at position 4568, causing a translational frameshift with a predicted alternate stop codon. Since frameshifts are typically deleterious in nature, this alteration is interpreted as a disease-causing mutation (ACMG Recommendations for Standards for Interpretation and Reporting of Sequence Variations. Revision 2007. Genet Med. 2008;10:294).